The following is an entry in ClinVar:

NM_000090.4(COL3A1):c.3271C>A (p.Arg1091Ser)

Gene: COL3A1 (collagen type III alpha 1 chain; plus strand). Cytogenetic location: 2q32.2.
Variant type: single nucleotide variant.
Coding change: c.3271C>A on transcript NM_000090.4 (MANE Select); coding-DNA position 3271, C replaced by A.
Protein change: p.Arg1091Ser; replaces arginine 1091 with serine.
Molecular consequence: missense variant.
Genome position (GRCh38, 1-based): chr2:189,007,515, C>A. VCF-style: chr2-189007515-C-A. GRCh37 (hg19) VCF-style: chr2-189872241-C-A.
Other names: short protein forms R1091S.
Identifiers: ClinVar variation 960219 (VCV000960219.14), dbSNP rs1464447467, ClinGen allele CA349845586.

ClinVar aggregate classification (germline): Uncertain significance. Review status: criteria provided, multiple submitters, no conflicts (2 of 4 stars). 6 submissions from 6 submitters: Uncertain significance (6). Last evaluated 2026-07-06.

Conditions:
Familial thoracic aortic aneurysm and aortic dissection (TAAD). Also called: Thoracic aortic aneurysms and dissections. Identifiers: Orphanet 91387, MedGen C4707243, MONDO:0019625.
Ehlers-Danlos syndrome, dominant type 4. Also called: Autosomal dominant Ehlers-Danlos syndrome, vascular type. Identifiers: MedGen C0268339, MONDO:0007524.
Polymicrogyria with or without vascular-type Ehlers-Danlos syndrome. Identifiers: Orphanet 636941, MedGen C5193040, MONDO:0032688, OMIM 618343.
Ehlers-Danlos syndrome, type 4 (EDSVASC). Also called: Ehlers-Danlos syndrome vascular type; Ehlers Danlos syndrome, ecchymotic type; Ehlers Danlos syndrome, arterial type; Ehlers Danlos syndrome, Sack-Barabas type; Ehlers-Danlos Syndrome Type IV. Identifiers: Orphanet 286, MedGen C0268338, MONDO:0017314, OMIM 130050.

Allele frequency attached by ClinVar (database versions not stated): gnomAD exomes below 0.00001 and 0.00001; gnomAD 0.00001; TOPMed 0.00001.
gnomAD v4.1: 17 of 1,613,254 alleles (0.0011%); highest among the groups gnomAD compares: Non-Finnish European, 0.0014%; no homozygotes.

Submissions (6):

Ambry Genetics
Classification: Uncertain significance for Familial thoracic aortic aneurysm and aortic dissection. Last evaluated: 2026-07-06. Review status: criteria provided, single submitter. Criteria: Ambry Variant Classification Scheme 2023. Collection method: clinical testing. Allele origin: germline.
Comment: The p.R1091S variant (also known as c.3271C>A), located in coding exon 45 of the COL3A1 gene, results from a C to A substitution at nucleotide position 3271. The arginine at codon 1091 is replaced by serine, an amino acid with dissimilar properties. This amino acid position is conserved. In addition, this alteration is predicted to be deleterious by in silico analysis. Based on the available evidence, the clinical significance of this variant remains unclear.

Labcorp Genetics (formerly Invitae), Labcorp
Classification: Uncertain significance for Ehlers-Danlos syndrome, type 4. Last evaluated: 2024-11-03. Review status: criteria provided, single submitter. Criteria: Invitae Variant Classification Sherloc (09022015). Collection method: clinical testing. Allele origin: germline.
Comment: This sequence change replaces arginine, which is basic and polar, with serine, which is neutral and polar, at codon 1091 of the COL3A1 protein (p.Arg1091Ser). This variant is present in population databases (no rsID available, gnomAD 0.0009%). This variant has not been reported in the literature in individuals affected with COL3A1-related conditions. ClinVar contains an entry for this variant (Variation ID: 960219). Invitae Evidence Modeling of protein sequence and biophysical properties (such as structural, functional, and spatial information, amino acid conservation, physicochemical variation, residue mobility, and thermodynamic stability) indicates that this missense variant is not expected to disrupt COL3A1 protein function with a negative predictive value of 95%. In summary, the available evidence is currently insufficient to determine the role of this variant in disease. Therefore, it has been classified as a Variant of Uncertain Significance.

All of Us Research Program, National Institutes of Health
Classification: Uncertain significance for Ehlers-Danlos syndrome, type 4. Last evaluated: 2024-01-11. Review status: criteria provided, single submitter. Criteria: ACMG Guidelines, 2015. Collection method: clinical testing. Allele origin: germline. Inheritance: Autosomal dominant inheritance. Observed: 1 variant allele, 1 heterozygote.
Comment: This study involves interpretation of variants in research participants for the purpose of population health screening. Participant phenotype was not available at the time of variant classification. Additional details can be found in publication PMID: 35346344, PMCID: PMC8962531

Molecular Genetics, Royal Melbourne Hospital
Classification: Uncertain significance for Ehlers-Danlos syndrome, dominant type 4. Last evaluated: 2023-03-30. Review status: criteria provided, single submitter. Criteria: ACMG Guidelines, 2015. Collection method: clinical testing. Allele origin: germline.
Comment: This sequence change in COL3A1 is predicted to replace arginine with serine at codon 1091, p.(Arg1091Ser). The arginine residue is highly conserved (100 vertebrates, UCSC), and is located in the triple helical domain. There is a large physicochemical difference between arginine and serine. This variant is present in a single European (non-Finnish) individual in gnomAD v2.1 (1/113,190 alleles). To our knowledge, this variant has not been reported in the literature in any individuals with COL3A1-related disease. It was has been reported as a variant of uncertain significance (ClinVar ID: 960219). Multiple lines of computational evidence have conflicting predictions for the missense substitution (4/6 algorithms predict deleterious). Based on the classification scheme RMH Modified ACMG Guidelines v1.5.1, this variant is classified as a VARIANT OF UNCERTAIN SIGNIFICANCE. Following criteria are met: PM2_Supporting.

Color Diagnostics, LLC DBA Color Health
Classification: Uncertain significance for Familial thoracic aortic aneurysm and aortic dissection. Last evaluated: 2022-12-13. Review status: criteria provided, single submitter. Criteria: ACMG Guidelines, 2015. Collection method: clinical testing. Allele origin: germline.
Comment: This missense variant replaces arginine with serine at codon 1091 of the COL3A1 protein. Computational prediction is inconclusive regarding the impact of this variant on protein structure and function (internally defined REVEL score threshold 0.5 < inconclusive < 0.7, PMID: 27666373). To our knowledge, functional studies have not been reported for this variant. This variant has not been reported in individuals affected with COL3A1-related disorders in the literature. This variant has been identified in 1/250370 chromosomes in the general population by the Genome Aggregation Database (gnomAD). The available evidence is insufficient to determine the role of this variant in disease conclusively. Therefore, this variant is classified as a Variant of Uncertain Significance.

Fulgent Genetics
Classification: Uncertain significance for Ehlers-Danlos syndrome, type 4; Polymicrogyria with or without vascular-type Ehlers-Danlos syndrome. Last evaluated: 2021-11-17. Review status: criteria provided, single submitter. Criteria: ACMG Guidelines, 2015. Collection method: clinical testing. Allele origin: unknown.